The following is an entry in ClinVar:

ClinVar aggregate classification (germline): Uncertain significance. Review status: criteria provided, multiple submitters, no conflicts (2 of 4 stars). 2 submissions from 2 submitters: Uncertain significance (2). Last evaluated 2022-01-25.

Conditions:
Early-infantile DEE. Also called: Early infantile epileptic encephalopathy; Ohtahara syndrome; Early infantile epileptic encephalopathy with suppression bursts. Identifiers: Orphanet 1934, MedGen C0393706, MONDO:0800491.

Submissions (2):

Blueprint Genetics
Classification: Uncertain significance. Last evaluated: 2022-01-25. Review status: criteria provided, single submitter. Criteria: ACMG Guidelines, 2015. Collection method: clinical testing. Allele origin: germline.

Labcorp Genetics (formerly Invitae), Labcorp
Classification: Uncertain significance for Early-infantile DEE. Last evaluated: 2021-04-24. Review status: criteria provided, single submitter. Criteria: Invitae Variant Classification Sherloc (09022015). Collection method: clinical testing. Allele origin: germline.
Comment: In summary, the available evidence is currently insufficient to determine the role of this variant in disease. Therefore, it has been classified as a Variant of Uncertain Significance. Advanced modeling of protein sequence and biophysical properties (such as structural, functional, and spatial information, amino acid conservation, physicochemical variation, residue mobility, and thermodynamic stability) performed at Invitae indicates that this missense variant is not expected to disrupt HCN1 protein function. This variant has not been reported in the literature in individuals with HCN1-related conditions. The frequency data for this variant in the population databases is considered unreliable, as metrics indicate insufficient coverage at this position in the ExAC database. This sequence change replaces arginine with serine at codon 38 of the HCN1 protein (p.Arg38Ser). The arginine residue is moderately conserved and there is a moderate physicochemical difference between arginine and serine.

NM_021072.4(HCN1):c.112C>A (p.Arg38Ser)

Gene: HCN1 (hyperpolarization activated cyclic nucleotide gated potassium channel 1; minus strand). Cytogenetic location: 5p12.
Variant type: single nucleotide variant.
Coding change: c.112C>A on transcript NM_021072.4 (MANE Select); coding-DNA position 112, C replaced by A.
Protein change: p.Arg38Ser; replaces arginine 38 with serine.
Molecular consequence: missense variant.
Genome position (GRCh38, 1-based): chr5:45,695,982, G>T on the plus strand (C>A on the coding strand, the complement: HCN1 is on the minus strand). VCF-style: chr5-45695982-G-T. GRCh37 (hg19) VCF-style: chr5-45696084-G-T.
Other names: short protein forms R38S.
Identifiers: ClinVar variation 1485971 (VCV001485971.10), dbSNP rs2112109560, ClinGen allele CA359706717.
Genomic context (GRCh38, chr5:45,695,982, plus strand): 5'-ACACGGAGTTGCCGTGCTCCTTCGCGCCGGCCCCGCCGCCCCCCGGCGGGGTGCCCAGGC[G>T]CTTCTCGGCCGCGGCCGGCCCCGCGCCCGTCGCGGACGCCTTGGCGGGGAAGACGCTGTT-3'
Protein context (NP_066550.2, residues 28-48): TGAGPAAAEK[Arg38Ser]LGTPPGGGGA